The following is an entry in ClinVar:

ClinVar aggregate classification (germline): Pathogenic/Likely pathogenic. Review status: criteria provided, multiple submitters, no conflicts (2 of 4 stars). 4 submissions from 4 submitters: Pathogenic (2); Likely pathogenic (2). Last evaluated 2026-07-08.

Conditions:
Hereditary cancer-predisposing syndrome. Also called: Tumor predisposition; Hereditary Cancer Syndrome; Hereditary neoplastic syndrome; Neoplastic Syndromes, Hereditary. Identifiers: Orphanet 140162, MedGen C0027672, MeSH D009386, MONDO:0015356.
Cardiovascular phenotype. Identifiers: MedGen CN230736.
NF1-related disorder. Also called: NF1-related condition. Identifiers: MedGen CN379171.
Neurofibromatosis, type 1 (NF1). Also called: NEUROFIBROMATOSIS, TYPE I, SOMATIC; VON RECKLINGHAUSEN DISEASE; Neurofibromatosis, type I; Peripheral type neurofibromatosis. Identifiers: Orphanet 636, MedGen C0027831, MONDO:0018975, OMIM 162200. Disease mechanism: loss of function.

Submissions (4):

Ambry Genetics
Classification: Likely pathogenic for Cardiovascular phenotype; Hereditary cancer-predisposing syndrome. Last evaluated: 2026-07-08. Review status: criteria provided, single submitter. Criteria: Ambry Variant Classification Scheme 2023. Collection method: clinical testing. Allele origin: germline.
Comment: The c.6580-1G>A intronic variant results from a G to A substitution one nucleotide upstream from coding exon 43 of the NF1 gene. This variant was reported in individual(s) with features consistent with neurofibromatosis type 1 (NF1) (Kang E et al. J Hum Genet, 2020 Jan;65:79-89). This variant is considered to be rare based on population cohorts in the Genome Aggregation Database (gnomAD). This nucleotide position is highly conserved in available vertebrate species. In silico splice site analysis predicts that this alteration will weaken the native splice acceptor site and will result in the creation or strengthening of a novel splice acceptor site. Alterations that disrupt the canonical splice site are expected to cause aberrant splicing, resulting in an abnormal protein or a transcript that is subject to nonsense-mediated mRNA decay. As such, this alteration is classified as likely pathogenic.

Labcorp Genetics (formerly Invitae), Labcorp
Classification: Pathogenic for Neurofibromatosis, type 1. Last evaluated: 2025-08-18. Review status: criteria provided, single submitter. Criteria: Invitae Variant Classification Sherloc (09022015). Collection method: clinical testing. Allele origin: germline.
Comment: This sequence change affects an acceptor splice site in intron 42 of the NF1 gene. It is expected to disrupt RNA splicing. Variants that disrupt the donor or acceptor splice site typically lead to a loss of protein function (PMID: 16199547), and loss-of-function variants in NF1 are known to be pathogenic (PMID: 10712197, 23913538). This variant is not present in population databases (gnomAD no frequency). Disruption of this splice site has been observed in individual(s) with neurofibromatosis type 1 (PMID: 31776437; internal data). ClinVar contains an entry for this variant (Variation ID: 3393249). Algorithms developed to predict the effect of sequence changes on RNA splicing suggest that this variant may disrupt the consensus splice site. For these reasons, this variant has been classified as Pathogenic.

Genomic Medicine Center of Excellence, King Faisal Specialist Hospital and Research Centre
Classification: Likely pathogenic for Neurofibromatosis, type 1. Last evaluated: 2024-12-19. Review status: criteria provided, single submitter. Criteria: ACMG Guidelines, 2015. Collection method: clinical testing. Allele origin: germline.

Blueprint Genetics
Classification: Pathogenic for NF1-related disorders. Last evaluated: 2022-12-20. Review status: criteria provided, single submitter. Criteria: ACMG Guidelines, 2015. Collection method: clinical testing. Allele origin: germline. Affected: yes. Observed: 1 variant allele.

Literature cited by the submitters: PubMed 31776437 (cited by Ambry Genetics and Labcorp Genetics (formerly Invitae), Labcorp); PubMed 16199547 (cited by Labcorp Genetics (formerly Invitae), Labcorp); PubMed 10712197 (cited by Labcorp Genetics (formerly Invitae), Labcorp); PubMed 23913538 (cited by Labcorp Genetics (formerly Invitae), Labcorp).

NM_001042492.3(NF1):c.6643-1G>A

Gene: NF1 (neurofibromin 1; plus strand). Cytogenetic location: 17q11.2.
Variant type: single nucleotide variant.
Coding change: c.6643-1G>A on transcript NM_001042492.3 (MANE Select); the canonical splice acceptor site of the intron before coding-DNA position 6643, G replaced by A.
Molecular consequence: splice acceptor variant.
Genome position (GRCh38, 1-based): chr17:31,337,818, G>A. VCF-style: chr17-31337818-G-A. GRCh37 (hg19) VCF-style: chr17-29664836-G-A.
Other names: c.6580-1G>A (NM_000267.3, NM_000267.4).
Identifiers: ClinVar variation 3393249 (VCV003393249.5).